The following is an entry in ClinVar:

ClinVar aggregate classification (germline): Uncertain significance (1 of 4 stars; one submission).

Conditions:
Ataxia-telangiectasia syndrome (AT). Also called: ATAXIA-TELANGIECTASIA, FRESNO VARIANT; Ataxia-telangiectasia, complementation group D; AT, COMPLEMENTATION GROUP C; Ataxia-telangiectasia; Ataxia-telangiectasia, complementation group E; Ataxia telangiectasia (A-T). Identifiers: Orphanet 100, MedGen C0004135, MONDO:0008840, OMIM 208900.

Submission:

Labcorp Genetics (formerly Invitae), Labcorp
Classification: Uncertain significance for Ataxia-telangiectasia syndrome. Last evaluated: 2020-05-20. Review status: criteria provided, single submitter. Criteria: Invitae Variant Classification Sherloc (09022015). Collection method: clinical testing. Allele origin: germline.
Comment: In summary, the available evidence is currently insufficient to determine the role of this variant in disease. Therefore, it has been classified as a Variant of Uncertain Significance. Algorithms developed to predict the effect of missense changes on protein structure and function (SIFT, PolyPhen-2, Align-GVGD) all suggest that this variant is likely to be tolerated, but these predictions have not been confirmed by published functional studies and their clinical significance is uncertain. This variant has not been reported in the literature in individuals with ATM-related conditions. This variant is not present in population databases (ExAC no frequency). This sequence change replaces valine with alanine at codon 27 of the ATM protein (p.Val27Ala). The valine residue is moderately conserved and there is a small physicochemical difference between valine and alanine.

NM_000051.4(ATM):c.80T>C (p.Val27Ala)

Gene: ATM (ATM serine/threonine kinase; plus strand). Cytogenetic location: 11q22.3.
Variant type: single nucleotide variant.
Coding change: c.80T>C on transcript NM_000051.4 (MANE Select); coding-DNA position 80, T replaced by C.
Protein change: p.Val27Ala; replaces valine 27 with alanine.
Molecular consequence: missense variant.
Genome position (GRCh38, 1-based): chr11:108,227,783, T>C. VCF-style: chr11-108227783-T-C. GRCh37 (hg19) VCF-style: chr11-108098510-T-C.
Other names: c.80T>C, p.Val27Ala (NM_001351836.2, NM_001351834.2, NM_001351835.2); short protein forms V27A.
Identifiers: ClinVar variation 1064026 (VCV001064026.9), dbSNP rs2078817440, ClinGen allele CA382519513.